The following is an entry in ClinVar:

ClinVar aggregate classification (germline): Uncertain significance (1 of 4 stars; one submission).

Submission:

Dasa
Classification: Uncertain significance. Last evaluated: 2025-12-29. Review status: criteria provided, single submitter. Criteria: DASA Assertion Criteria. Collection method: clinical testing. Allele origin: germline.
Comment: NM_170606.3(KMT2C):c.9825G>A (p.Met3275Ile) is a missense variant that results in the substitution of methionine with isoleucine. This variant is rare in population databases. The currently available literature and clinical evidence are not sufficient to establish a definitive association between this variant and the reported condition. Therefore, this variant is classified as a variant of uncertain significance.

NM_170606.3(KMT2C):c.9825G>A (p.Met3275Ile)

Gene: KMT2C (lysine methyltransferase 2C; minus strand). Cytogenetic location: 7q36.1.
Variant type: single nucleotide variant.
Coding change: c.9825G>A on transcript NM_170606.3 (MANE Select); coding-DNA position 9825, G replaced by A.
Protein change: p.Met3275Ile; replaces methionine 3275 with isoleucine.
Molecular consequence: missense variant.
Genome position (GRCh38, 1-based): chr7:152,163,752, C>T on the plus strand (G>A on the coding strand, the complement: KMT2C is on the minus strand). VCF-style: chr7-152163752-C-T. GRCh37 (hg19) VCF-style: chr7-151860837-C-T.
Other names: short protein forms M3275I.
Identifiers: ClinVar variation 4881294 (VCV004881294.2).